The following is an entry in ClinVar:

NM_177402.5(SYT2):c.208G>A (p.Val70Met)

Gene: SYT2 (synaptotagmin 2; minus strand). Cytogenetic location: 1q32.1.
Variant type: single nucleotide variant.
Coding change: c.208G>A on transcript NM_177402.5 (MANE Select); coding-DNA position 208, G replaced by A.
Protein change: p.Val70Met; replaces valine 70 with methionine.
Molecular consequence: missense variant.
Genome position (GRCh38, 1-based): chr1:202,604,592, C>T on the plus strand (G>A on the coding strand, the complement: SYT2 is on the minus strand). VCF-style: chr1-202604592-C-T. GRCh37 (hg19) VCF-style: chr1-202573720-C-T.
Other names: c.208G>A, p.Val70Met (NM_001136504.1); short protein forms V70M.
Identifiers: ClinVar variation 2194371 (VCV002194371.4), dbSNP rs1018884082, ClinGen allele CA35583081.

ClinVar aggregate classification (germline): Uncertain significance (1 of 4 stars; one submission).

Allele frequency attached by ClinVar (database versions not stated): gnomAD 0.00001; gnomAD exomes 0.00001; TOPMed 0.00002.
gnomAD v4.1: 21 of 1,614,074 alleles (0.0013%); highest among the groups gnomAD compares: Non-Finnish European, 0.0017%; no homozygotes.

Submission:

Labcorp Genetics (formerly Invitae), Labcorp
Classification: Uncertain significance. Last evaluated: 2022-09-07. Review status: criteria provided, single submitter. Criteria: Invitae Variant Classification Sherloc (09022015). Collection method: clinical testing. Allele origin: germline.
Comment: In summary, the available evidence is currently insufficient to determine the role of this variant in disease. Therefore, it has been classified as a Variant of Uncertain Significance. Algorithms developed to predict the effect of missense changes on protein structure and function are either unavailable or do not agree on the potential impact of this missense change (SIFT: "Deleterious"; PolyPhen-2: "Benign"; Align-GVGD: "Class C0"). This variant has not been reported in the literature in individuals affected with SYT2-related conditions. This variant is present in population databases (no rsID available, gnomAD 0.003%). This sequence change replaces valine, which is neutral and non-polar, with methionine, which is neutral and non-polar, at codon 70 of the SYT2 protein (p.Val70Met).